The following is an entry in ClinVar:

NM_203288.2(RP9):c.27C>G (p.Asp9Glu)

Genes: RP9 (RP9 pre-mRNA splicing factor; minus strand), LOC129998225 (ATAC-STARR-seq lymphoblastoid silent region 18090; plus strand). Cytogenetic location: 7p14.3.
Variant type: single nucleotide variant.
Coding change: c.27C>G on transcript NM_203288.2 (MANE Select); coding-DNA position 27, C replaced by G.
Protein change: p.Asp9Glu; replaces aspartic acid 9 with glutamic acid.
Molecular consequence: missense variant.
Genome position (GRCh38, 1-based): chr7:33,109,346, G>C on the plus strand (C>G on the coding strand, the complement: RP9 is on the minus strand). VCF-style: chr7-33109346-G-C. GRCh37 (hg19) VCF-style: chr7-33148958-G-C.
Other names: short protein forms D9E.
Identifiers: ClinVar variation 2792214 (VCV002792214.3), dbSNP rs1301103126, ClinGen allele CA367185434.

ClinVar aggregate classification (germline): Uncertain significance (1 of 4 stars; one submission).

Allele frequency attached by ClinVar (database versions not stated): TOPMed below 0.00001.

Submission:

Labcorp Genetics (formerly Invitae), Labcorp
Classification: Uncertain significance. Last evaluated: 2023-09-17. Review status: criteria provided, single submitter. Criteria: Invitae Variant Classification Sherloc (09022015). Collection method: clinical testing. Allele origin: germline.
Comment: This variant has not been reported in the literature in individuals affected with RP9-related conditions. An algorithm developed to predict the effect of missense changes on protein structure and function (PolyPhen-2) suggests that this variant is likely to be tolerated. In summary, the available evidence is currently insufficient to determine the role of this variant in disease. Therefore, it has been classified as a Variant of Uncertain Significance. This variant is not present in population databases (gnomAD no frequency). This sequence change replaces aspartic acid, which is acidic and polar, with glutamic acid, which is acidic and polar, at codon 9 of the RP9 protein (p.Asp9Glu).